The following is an entry in ClinVar:

ClinVar aggregate classification (germline): Conflicting classifications of pathogenicity. Review status: criteria provided, conflicting classifications (1 of 4 stars). 3 submissions from 3 submitters: Uncertain significance (2); Likely benign (1). Last evaluated 2025-09-24.

Conditions:
Fanconi anemia (FA). Also called: Fanconi's anemia. Identifiers: Orphanet 84, MedGen C0015625, MeSH D005199, MONDO:0019391.

Allele frequency attached by ClinVar (database versions not stated): ExAC 0.00001; gnomAD 0.00001; TOPMed 0.00001.
gnomAD v4.1: 1 of 1,613,888 alleles (0.000062%); no homozygotes.

Submissions (3):

Quest Diagnostics Nichols Institute San Juan Capistrano
Classification: Uncertain significance. Last evaluated: 2025-09-24. Review status: criteria provided, single submitter. Criteria: Quest Diagnostics criteria. Collection method: clinical testing. Allele origin: unknown.
Comment: The FANCA c.2504+10T>G variant has not been reported in individuals with FANCA-related conditions in the published literature. The frequency of this variant in the general population (Genome Aggregation Database) is uninformative in the assessment of its pathogenicity. Analysis of this variant using software algorithms for the prediction of the effect of nucleotide changes on FANCA mRNA splicing yielded inconclusive findings. Based on the available information, we are unable to determine the clinical significance of this variant.

Labcorp Genetics (formerly Invitae), Labcorp
Classification: Likely benign for Fanconi anemia. Last evaluated: 2022-08-04. Review status: criteria provided, single submitter. Criteria: Invitae Variant Classification Sherloc (09022015). Collection method: clinical testing. Allele origin: germline.

Mayo Clinic Laboratories, Mayo Clinic
Classification: Uncertain significance. Last evaluated: 2020-12-29. Review status: criteria provided, single submitter. Criteria: ACMG Guidelines, 2015. Collection method: clinical testing. Allele origin: germline. Observed: 1 variant allele.

NM_000135.4(FANCA):c.2504+10T>G

Gene: FANCA (FA complementation group A; minus strand). Cytogenetic location: 16q24.3.
Variant type: single nucleotide variant.
Coding change: c.2504+10T>G on transcript NM_000135.4 (MANE Select); 10 bases into the intron after coding-DNA position 2504, T replaced by G.
Molecular consequence: intron variant.
Genome position (GRCh38, 1-based): chr16:89,769,827, A>C on the plus strand (T>G on the coding strand, the complement: FANCA is on the minus strand). VCF-style: chr16-89769827-A-C. GRCh37 (hg19) VCF-style: chr16-89836235-A-C.
Other names: c.2504+10T>G (NM_000135.3, NM_001286167.3).
Identifiers: ClinVar variation 1118397 (VCV001118397.14), dbSNP rs770043372, ClinGen allele CA8251708.
Genomic context (GRCh38, chr16:89,769,827, plus strand): 5'-TTTATCAAACGAGCATGTGTCACTTTTCGAGAGAGAGGAGAGAAGACGCGACTGTGGAAG[A>C]AGAGCTCACTTCAGGCAGAAGAACAAGGAATCCCTCGTCCTACAGGTCAGGAGGCTGTCA-3'